The following is an entry in ClinVar:

NM_006514.4(SCN10A):c.599C>T (p.Ala200Val)

Gene: SCN10A (sodium voltage-gated channel alpha subunit 10; minus strand). Cytogenetic location: 3p22.2.
Variant type: single nucleotide variant.
Coding change: c.599C>T on transcript NM_006514.4 (MANE Select); coding-DNA position 599, C replaced by T.
Protein change: p.Ala200Val; replaces alanine 200 with valine.
Molecular consequence: missense variant.
Genome position (GRCh38, 1-based): chr3:38,771,279, G>A on the plus strand (C>T on the coding strand, the complement: SCN10A is on the minus strand). VCF-style: chr3-38771279-G-A. GRCh37 (hg19) VCF-style: chr3-38812770-G-A.
Other names: p.Ala200Val; c.599C>T (NM_006514.2); c.599C>T, p.Ala200Val (NM_001293306.2, NM_001293307.2); short protein forms A200V.
Identifiers: ClinVar variation 565891 (VCV000565891.37), dbSNP rs554062977, ClinGen allele CA2321157.
Genomic context (GRCh38, chr3:38,771,279, plus strand): 5'-TACCCACCATTTTGTCCCCTCTCCTATCACACATGCAGATCTGCATAGAGATATACTCAC[G>A]CCAGGGTAATGACGCTAAAATCCAGCCAGTTCCAAGGATCTCTCAGGTACGTGAACTCAT-3'
Protein context (NP_006505.4, residues 190-210): NWLDFSVITL[Ala200Val]YVGTAIDLRG

ClinVar aggregate classification (germline): Conflicting classifications of pathogenicity. Review status: criteria provided, conflicting classifications (1 of 4 stars). 8 submissions from 8 submitters: Uncertain significance (7); Likely benign (1). Last evaluated 2026-03-12.

Conditions:
Brugada syndrome 1 (BRGDA1). Also called: RIGHT BUNDLE BRANCH BLOCK, ST SEGMENT ELEVATION, AND SUDDEN DEATH SYNDROME. Identifiers: Orphanet 130, MedGen C4551804, MONDO:0011001, OMIM 601144.
SCN10A-related disorder. Also called: SCN10A-related condition.
Cardiovascular phenotype. Identifiers: MedGen CN230736.
Brugada syndrome. Also called: Sudden Unexplained Death Syndrome; Sudden Unexplained Nocturnal Death Syndrome (SUNDS); Sudden unexplained nocturnal death syndrome; Sudden unexpected nocturnal death syndrome. Identifiers: Orphanet 130, MedGen C1142166, MONDO:0015263.

Allele frequency attached by ClinVar (database versions not stated): ExAC 0.00011; gnomAD 0.00011; gnomAD exomes 0.00012 and 0.00020; 1000 Genomes Project 30x 0.00016; TOPMed 0.00016; 1000 Genomes Project 0.00020.
gnomAD v4.1: 312 of 1,613,778 alleles (0.019%); highest among the groups gnomAD compares: Non-Finnish European, 0.023%; 1 homozygote.

Submissions (8):

PreventionGenetics, part of Exact Sciences
Classification: Uncertain significance for SCN10A-related condition. Last evaluated: 2026-03-12. Review status: criteria provided, single submitter. Criteria: ACMG Guidelines, 2015. Collection method: clinical testing. Allele origin: germline.
Comment: The SCN10A c.599C>T variant is predicted to result in the amino acid substitution p.Ala200Val. This variant has been reported in an individual with type 1 Brugada pattern by ECG; however, it did not segregate with disease in two additional family members and was detected in two healthy control individuals (Behr et al. 2015. PubMed ID: 25691538). This variant is reported in 0.014% of alleles in individuals of Latino descent in gnomAD, which may be too frequent to be a primary cause of disease. Experimental studies suggest this variant impacts SCN10A function (Behr et al. 2015. PubMed ID: 25691538). This variant is consistently interpreted as uncertain in the ClinVar database (Variation ID: 565891). At this time, the clinical significance of this variant is uncertain due to the absence of conclusive functional and genetic evidence.

Women's Health and Genetics/Laboratory Corporation of America, LabCorp
Classification: Uncertain significance. Last evaluated: 2026-02-27. Review status: criteria provided, single submitter. Criteria: LabCorp Variant Classification Summary - May 2015. Collection method: clinical testing. Allele origin: germline.
Comment: Variant summary: SCN10A c.599C>T (p.Ala200Val) results in a non-conservative amino acid change in the encoded protein sequence. Algorithms developed to predict the effect of missense changes on protein structure and function all suggest that this variant is likely to be disruptive. Several computational tools predict a significant impact on normal splicing: One predict the variant abolishes a 5' splicing donor site. Two predict the variant weakens a 5' donor site. One predict the variant no significant impact on splicing. However, these predictions have yet to be confirmed by functional studies. The variant allele was found at a frequency of 0.00012 in 251336 control chromosomes. This frequency is not significantly higher than estimated for disease-causing variants in SCN10A, allowing no conclusion about variant significance. c.599C>T has been observed with a common BrS associated single nucleotide Polymorphism in individuals in a family affected with Brugada syndrome and has also been detected in two healthy individuals (Behr_2015). These report(s) do not provide unequivocal conclusions about association of the variant with Episodic pain syndrome, familial, 2. At least one publication reports experimental evidence evaluating an impact on protein function but the data does not allow convincing conclusions about the variant effect (Behr_2015). The following publications have been ascertained in the context of this evaluation (PMID: 25691538, 30662450). ClinVar contains an entry for this variant (Variation ID: 565891). Based on the evidence outlined above, the variant was classified as uncertain significance.

Labcorp Genetics (formerly Invitae), Labcorp
Classification: Uncertain significance for Brugada syndrome. Last evaluated: 2024-12-23. Review status: criteria provided, single submitter. Criteria: Invitae Variant Classification Sherloc (09022015). Collection method: clinical testing. Allele origin: germline.
Comment: This sequence change replaces alanine, which is neutral and non-polar, with valine, which is neutral and non-polar, at codon 200 of the SCN10A protein (p.Ala200Val). This variant is present in population databases (rs554062977, gnomAD 0.01%). This missense change has been observed in individual(s) with Brugada syndrome and sudden death, in which it was not described to segregate with disease, as well as in two healthy control subjects (PMID: 25691538). ClinVar contains an entry for this variant (Variation ID: 565891). An algorithm developed to predict the effect of missense changes on protein structure and function (PolyPhen-2) suggests that this variant is likely to be disruptive. Experimental studies have shown that this missense change affects SCN10A function (PMID: 25691538). In summary, the available evidence is currently insufficient to determine the role of this variant in disease. Therefore, it has been classified as a Variant of Uncertain Significance.

GeneDx
Classification: Uncertain significance. Last evaluated: 2024-07-24. Review status: criteria provided, single submitter. Criteria: GeneDx Variant Classification Process June 2021. Collection method: clinical testing. Allele origin: germline. Affected: yes.
Comment: Reported in a patient with the type 1 Brugada pattern on ECG; however, it did not segregate with two other relatives who also had the same ECG findings (PMID: 25691538); In silico analysis supports that this missense variant has a deleterious effect on protein structure/function; This variant is associated with the following publications: (PMID: 30662450, 30821013, 25691538)

Mayo Clinic Laboratories, Mayo Clinic
Classification: Uncertain significance. Last evaluated: 2024-05-24. Review status: criteria provided, single submitter. Criteria: ACMG Guidelines, 2015. Collection method: clinical testing. Allele origin: germline. Observed: 1 variant allele.
Comment: BS2, PP3

CeGaT Center for Human Genetics Tuebingen
Classification: Uncertain significance. Last evaluated: 2022-10-01. Review status: criteria provided, single submitter. Criteria: CeGaT Center For Human Genetics Tuebingen Variant Classification Criteria Version 2. Collection method: clinical testing. Allele origin: germline. Affected: yes. Observed: 1 variant allele.
Comment: SCN10A: PS3:Supporting

Ambry Genetics
Classification: Likely benign for Cardiovascular phenotype. Last evaluated: 2020-01-16. Review status: criteria provided, single submitter. Criteria: Ambry Variant Classification Scheme 2023. Collection method: clinical testing. Allele origin: germline.

Mendelics
Classification: Uncertain significance for Brugada syndrome 1. Last evaluated: 2019-05-28. Review status: criteria provided, single submitter. Criteria: Mendelics Assertion Criteria 2017. Collection method: clinical testing. Allele origin: unknown.

Literature cited by the submitters: PubMed 30662450 (cited by Women's Health and Genetics/Laboratory Corporation of America, LabCorp and Mayo Clinic Laboratories, Mayo Clinic); PubMed 25691538 (cited by 3 submitters); PubMed 28407228 (cited by Mayo Clinic Laboratories, Mayo Clinic); PubMed 30821013 (cited by Mayo Clinic Laboratories, Mayo Clinic).